The following is an entry in ClinVar:

ClinVar aggregate classification (germline): Uncertain significance (1 of 4 stars; one submission).

Conditions:
Hereditary spastic paraplegia 11. Also called: Nakamura Osame syndrome; Autosomal recessive hereditary spastic paraplegia, mental impairment, and thin corpus callosum; SPASTIC PARAPLEGIA, AUTOSOMAL RECESSIVE, COMPLICATED, WITH THIN CORPUS CALLOSUM; SPASTIC PARAPLEGIA, AUTOSOMAL RECESSIVE, WITH MENTAL IMPAIRMENT AND THIN CORPUS CALLOSUM; Spastic Paraplegia 11; Spastic paraplegia, mental retardation and thin corpus callosum. Identifiers: Orphanet 2822, MedGen C1858479, MONDO:0011445, OMIM 604360.

gnomAD v4.1: 1 of 1,614,072 alleles (0.000062%); highest among the groups gnomAD compares: Non-Finnish European, 0.000085%; no homozygotes.

Submission:

Labcorp Genetics (formerly Invitae), Labcorp
Classification: Uncertain significance for Hereditary spastic paraplegia 11. Last evaluated: 2022-06-25. Review status: criteria provided, single submitter. Criteria: Invitae Variant Classification Sherloc (09022015). Collection method: clinical testing. Allele origin: germline.
Comment: This sequence change replaces alanine, which is neutral and non-polar, with serine, which is neutral and polar, at codon 2142 of the SPG11 protein (p.Ala2142Ser). This variant is not present in population databases (gnomAD no frequency). This variant has not been reported in the literature in individuals affected with SPG11-related conditions. Algorithms developed to predict the effect of missense changes on protein structure and function (SIFT, PolyPhen-2, Align-GVGD) all suggest that this variant is likely to be disruptive. In summary, the available evidence is currently insufficient to determine the role of this variant in disease. Therefore, it has been classified as a Variant of Uncertain Significance.

NM_025137.4(SPG11):c.6424G>T (p.Ala2142Ser)

Gene: SPG11 (SPG11 vesicle trafficking associated, spatacsin; minus strand). Cytogenetic location: 15q21.1.
Variant type: single nucleotide variant.
Coding change: c.6424G>T on transcript NM_025137.4 (MANE Select); coding-DNA position 6424, G replaced by T.
Protein change: p.Ala2142Ser; replaces alanine 2142 with serine.
Molecular consequence: missense variant.
Genome position (GRCh38, 1-based): chr15:44,570,578, C>A on the plus strand (G>T on the coding strand, the complement: SPG11 is on the minus strand). VCF-style: chr15-44570578-C-A. GRCh37 (hg19) VCF-style: chr15-44862776-C-A.
Other names: c.6085G>T, p.Ala2029Ser (NM_001160227.2); c.6280G>T, p.Ala2094Ser (NM_001411132.1); short protein forms A2142S, A2029S, A2094S.
Identifiers: ClinVar variation 2007488 (VCV002007488.1), dbSNP rs141035224, ClinGen allele CA392216342.
Genomic context (GRCh38, chr15:44,570,578, plus strand): 5'-TACTTACCACCAGCCCATACTCCTCACTGGGGGCCAGGTGGTTATCTGTGAGCATGTGGG[C>A]GGCCTGTAGGACTCGGATGATGCCCTCCATGTGGCACGTCAGGGTGAAGCAATGATGGGC-3'
Protein context (NP_079413.3, residues 2132-2152): MEGIIRVLQA[Ala2142Ser]HMLTDNHLAP